The following is an entry in ClinVar:

NM_015557.3(CHD5):c.4024G>A (p.Gly1342Ser)

Gene: CHD5 (chromodomain helicase DNA binding protein 5; minus strand). Cytogenetic location: 1p36.31.
Variant type: single nucleotide variant.
Coding change: c.4024G>A on transcript NM_015557.3 (MANE Select); coding-DNA position 4024, G replaced by A.
Protein change: p.Gly1342Ser; replaces glycine 1342 with serine.
Molecular consequence: missense variant.
Genome position (GRCh38, 1-based): chr1:6,126,626, C>T on the plus strand (G>A on the coding strand, the complement: CHD5 is on the minus strand). VCF-style: chr1-6126626-C-T. GRCh37 (hg19) VCF-style: chr1-6186686-C-T.
Other names: short protein forms G1342S.
Identifiers: ClinVar variation 4075730 (VCV004075730.2).
Genomic context (GRCh38, chr1:6,126,626, plus strand): 5'-ACGCACCCTGGTCCTCCTGGGAGGCATCGTTGTAGTTGACCTGCTTGCGGATGCGCTTGC[C>T]CTTGCCCAGGTTGCGGGCCAGGTCCTCCTGCTGCTGCTCATAGTGGTGCCGCAGCAGCTT-3'
Protein context (NP_056372.1, residues 1332-1352): QEDLARNLGK[Gly1342Ser]KRIRKQVNYN

ClinVar aggregate classification (germline): Uncertain significance. Review status: criteria provided, multiple submitters, no conflicts (2 of 4 stars). 2 submissions from 2 submitters: Uncertain significance (2). Last evaluated 2025-06-25.

Conditions:
CHD5-related disorder. Also called: CHD5-related condition.

Submissions (2):

PreventionGenetics, part of Exact Sciences
Classification: Uncertain significance for CHD5-related condition. Last evaluated: 2025-06-25. Review status: criteria provided, single submitter. Criteria: ACMG Guidelines, 2015. Collection method: clinical testing. Allele origin: germline.
Comment: The CHD5 c.4024G>A variant is predicted to result in the amino acid substitution p.Gly1342Ser. To our knowledge, this variant has not been reported in the literature or in a large population database (gnomAD), indicating this variant is rare. At this time, the clinical significance of this variant is uncertain due to the absence of conclusive functional and genetic evidence.

GeneDx
Classification: Uncertain significance. Last evaluated: 2025-02-18. Review status: criteria provided, single submitter. Criteria: GeneDx Variant Classification Process June 2021. Collection method: clinical testing. Allele origin: germline. Affected: yes.
Comment: Not observed at significant frequency in large population cohorts (gnomAD); In silico analysis supports that this missense variant has a deleterious effect on protein structure/function; Has not been previously published as pathogenic or benign to our knowledge